The following is an entry in ClinVar:

ClinVar aggregate classification (germline): Likely benign (1 of 4 stars; one submission).

Conditions:
Neurodevelopmental disorder with or without early-onset generalized epilepsy. Identifiers: MedGen C5436914, MONDO:0030930, OMIM 619157.

gnomAD v4.1: 7 of 1,612,210 alleles (0.00043%); highest among the groups gnomAD compares: South Asian, 0.0077%; no homozygotes.

Submission:

Institute of Medical Genetics and Genomics, Sir Ganga Ram Hospital
Classification: Likely benign for Neurodevelopmental disorder with or without early-onset generalized epilepsy. Last evaluated: 2023-07-10. Review status: criteria provided, single submitter. Criteria: ACMG Guidelines, 2015. Collection method: clinical testing. Allele origin: inherited. Inheritance: Autosomal dominant inheritance. Affected: yes. Observed: 1 heterozygote.
Comment: This variant has been reported 0.0012% in gnomAD (aggregated) database (PM2_moderate). mis-sense variant in a gene with low rate of benign variants (PP2_supporting).

NM_001385012.1(NBEA):c.1747G>A (p.Gly583Ser)

Gene: NBEA (neurobeachin; plus strand). Cytogenetic location: 13q13.3.
Variant type: single nucleotide variant.
Coding change: c.1747G>A on transcript NM_001385012.1 (MANE Select); coding-DNA position 1747, G replaced by A.
Protein change: p.Gly583Ser; replaces glycine 583 with serine.
Molecular consequence: missense variant.
Genome position (GRCh38, 1-based): chr13:35,109,356, G>A. VCF-style: chr13-35109356-G-A. GRCh37 (hg19) VCF-style: chr13-35683493-G-A.
Other names: c.1747G>A, p.Gly583Ser (NM_001379245.1, NM_015678.5); short protein forms G583S.
Identifiers: ClinVar variation 2571597 (VCV002571597.2), dbSNP rs774874223, ClinGen allele CA6946315.